The following is an entry in ClinVar:

ClinVar aggregate classification (germline): Uncertain significance (1 of 4 stars; one submission).

Conditions:
Atrial fibrillation, familial, 7 (ATFB7). Identifiers: MedGen C2677106, MONDO:0012828, OMIM 612240.

Submission:

Labcorp Genetics (formerly Invitae), Labcorp
Classification: Uncertain significance for Atrial fibrillation, familial, 7. Last evaluated: 2025-05-01. Review status: criteria provided, single submitter. Criteria: Invitae Variant Classification Sherloc (09022015). Collection method: clinical testing. Allele origin: germline.
Comment: This sequence change affects codon 468 of the KCNA5 mRNA. It is a 'silent' change, meaning that it does not change the encoded amino acid sequence of the KCNA5 protein. This variant is not present in population databases (gnomAD no frequency). This variant has not been reported in the literature in individuals affected with KCNA5-related conditions. In summary, the available evidence is currently insufficient to determine the role of this variant in disease. Therefore, it has been classified as a Variant of Uncertain Significance.

NM_002234.4(KCNA5):c.1404T>G (p.Pro468=)

Gene: KCNA5 (potassium voltage-gated channel subfamily A member 5; plus strand). Cytogenetic location: 12p13.32.
Variant type: single nucleotide variant.
Coding change: c.1404T>G on transcript NM_002234.4 (MANE Select); coding-DNA position 1404, T replaced by G.
Protein change: p.Pro468=; no amino-acid change (proline 468 retained).
Molecular consequence: synonymous variant.
Genome position (GRCh38, 1-based): chr12:5,045,551, T>G. VCF-style: chr12-5045551-T-G. GRCh37 (hg19) VCF-style: chr12-5154717-T-G.
Identifiers: ClinVar variation 4752369 (VCV004752369.1).